The following is an entry in ClinVar:

NM_002314.4(LIMK1):c.687G>A (p.Thr229=)

Gene: LIMK1 (LIM domain kinase 1; plus strand). Cytogenetic location: 7q11.23.
Variant type: single nucleotide variant.
Coding change: c.687G>A on transcript NM_002314.4 (MANE Select); coding-DNA position 687, G replaced by A.
Protein change: p.Thr229=; no amino-acid change (threonine 229 retained).
Molecular consequence: synonymous variant.
Genome position (GRCh38, 1-based): chr7:74,105,953, G>A. VCF-style: chr7-74105953-G-A. GRCh37 (hg19) VCF-style: chr7-73520283-G-A.
Other names: c.585G>A, p.Thr195= (NM_001204426.2).
Identifiers: ClinVar variation 3038729 (VCV003038729.2), dbSNP rs372553126, ClinGen allele CA4293685.

ClinVar aggregate classification (germline): Likely benign (0 of 4 stars; one submission).

Conditions:
LIMK1-related disorder. Also called: LIMK1-related condition.

Allele frequency attached by ClinVar (database versions not stated): ExAC 0.00003; gnomAD 0.00007; ESP Exome Variant Server 0.00008; TOPMed 0.00009; gnomAD exomes 0.00015.
gnomAD v4.1: 220 of 1,613,934 alleles (0.014%); highest among the groups gnomAD compares: African/African-American, 0.024%; no homozygotes.

Submission:

PreventionGenetics, part of Exact Sciences
Classification: Likely benign for LIMK1-related condition. Last evaluated: 2019-05-28. Review status: no assertion criteria provided. Collection method: clinical testing. Allele origin: germline.
Comment: This variant is classified as likely benign based on ACMG/AMP sequence variant interpretation guidelines (Richards et al. 2015 PMID: 25741868, with internal and published modifications).